The following is an entry in ClinVar:

ClinVar aggregate classification (germline): Pathogenic. Review status: criteria provided, multiple submitters, no conflicts (2 of 4 stars). 3 submissions from 3 submitters: Pathogenic (3). Last evaluated 2022-08-05.

Conditions:
Familial X-linked hypophosphatemic vitamin D refractory rickets (XLHRD). Also called: Hypophosphatemia, vitamin D-resistant rickets; Vitamin D-resistant rickets, X-linked; X-Linked Hypophosphatemia; Hypophosphatemic Rickets, X-Linked Dominant; HYPOPHOSPHATEMIC VITAMIN D-RESISTANT RICKETS. Identifiers: Orphanet 89936, MedGen C0733682, MONDO:0010619, OMIM 307800.

Submissions (3):

Labcorp Genetics (formerly Invitae), Labcorp
Classification: Pathogenic. Last evaluated: 2022-08-05. Review status: criteria provided, single submitter. Criteria: Invitae Variant Classification Sherloc (09022015). Collection method: clinical testing. Allele origin: germline.
Comment: Algorithms developed to predict the effect of sequence changes on RNA splicing suggest that this variant may create or strengthen a splice site. For these reasons, this variant has been classified as Pathogenic. ClinVar contains an entry for this variant (Variation ID: 280085). This premature translational stop signal has been observed in individuals with X-linked hypophosphatemia (PMID: 19219621, 28981921, 30682568; Invitae). It has also been observed to segregate with disease in related individuals. This variant is not present in population databases (gnomAD no frequency). This sequence change creates a premature translational stop signal (p.Tyr688*) in the PHEX gene. It is expected to result in an absent or disrupted protein product. Loss-of-function variants in PHEX are known to be pathogenic (PMID: 9097956, 9106524, 19219621).

Mendelics
Classification: Pathogenic for Familial X-linked hypophosphatemic vitamin D refractory rickets. Last evaluated: 2022-05-04. Review status: criteria provided, single submitter. Criteria: Mendelics Assertion Criteria 2019. Collection method: clinical testing. Allele origin: germline.

GeneDx
Classification: Pathogenic. Last evaluated: 2019-06-27. Review status: criteria provided, single submitter. Criteria: GeneDx Variant Classification Process June 2021. Collection method: clinical testing. Allele origin: germline. Affected: yes.
Comment: Nonsense variant predicted to result in protein truncation or nonsense mediated decay in a gene for which loss-of-function is a known mechanism of disease; Not observed in large population cohorts (Lek et al., 2016); This variant is associated with the following publications: (PMID: 19219621, 28981921, 30682568)

Literature cited by the submitters: PubMed 19219621 (cited by Labcorp Genetics (formerly Invitae), Labcorp); PubMed 28981921 (cited by Labcorp Genetics (formerly Invitae), Labcorp); PubMed 30682568 (cited by Labcorp Genetics (formerly Invitae), Labcorp); PubMed 9097956 (cited by Labcorp Genetics (formerly Invitae), Labcorp); PubMed 9106524 (cited by Labcorp Genetics (formerly Invitae), Labcorp).

NM_000444.6(PHEX):c.2060_2063dup (p.Tyr688Ter)

Genes: PHEX (phosphate regulating endopeptidase X-linked; plus strand), PTCHD1-AS (PTCHD1 and PHEX antisense RNA; minus strand). Cytogenetic location: Xp22.11.
Variant type: Duplication.
Coding change: c.2060_2063dup on transcript NM_000444.6 (MANE Select); coding-DNA positions 2060 to 2063, 4 bases duplicated (GTTA; older notation c.2060_2063dupGTTA).
Protein change: p.Tyr688Ter; replaces tyrosine 688 with a stop codon.
Molecular consequence: nonsense. On other transcripts: non-coding transcript variant (1).
Genome position (GRCh38, 1-based): chrX:22,227,601-22,227,604, GTTA duplicated; duplicating any 4 consecutive bases within chrX:22,227,600-22,227,604 gives the same sequence; the c. name uses the placement nearest the transcript's 3' end. VCF-style (leftmost placement, unchanged base first): chrX-22227599-G-GAGTT. GRCh37 (hg19) VCF-style: chrX-22245716-G-GAGTT.
Other names: c.2060_2063dup, p.Tyr688Ter (NM_001282754.2); c.2060_2063dupGTTA (NM_000444.4); short protein forms Y688*.
Identifiers: ClinVar variation 280085 (VCV000280085.11), dbSNP rs886041372, ClinGen allele CA10603468.